The following is an entry in ClinVar:

ClinVar aggregate classification (germline): Pathogenic (1 of 4 stars; one submission).

Conditions:
Long QT syndrome (LQTS). Identifiers: MedGen C0023976, MeSH D008133, MONDO:0002442. Disease mechanism: loss of function. Inheritance: Various modes of inheritance.

Submission:

Labcorp Genetics (formerly Invitae), Labcorp
Classification: Pathogenic for Long QT syndrome. Last evaluated: 2019-10-02. Review status: criteria provided, single submitter. Criteria: Invitae Variant Classification Sherloc (09022015). Collection method: clinical testing. Allele origin: germline.
Comment: For these reasons, this variant has been classified as Pathogenic. Loss-of-function variants in KCNH2 are known to be pathogenic (PMID: 19862833). This sequence change creates a premature translational stop signal (p.Gly446Trpfs*73) in the KCNH2 gene. It is expected to result in an absent or disrupted protein product. This variant is not present in population databases (ExAC no frequency). This variant has not been reported in the literature in individuals with KCNH2-related disease. ClinVar contains an entry for this variant (Variation ID: 456886).

Literature cited by the submitters: PubMed 19862833.

NM_000238.4(KCNH2):c.1335dup (p.Gly446fs)

Gene: KCNH2 (potassium voltage-gated channel subfamily H member 2; minus strand). Cytogenetic location: 7q36.1.
Variant type: Duplication.
Coding change: c.1335dup on transcript NM_000238.4 (MANE Select); coding-DNA position 1335, one base duplicated (T; older notation c.1335dupT).
Protein change: p.Gly446fs; shifts the reading frame from glycine 446.
Molecular consequence: frameshift variant.
Genome position (GRCh38, 1-based): chr7:150,952,647, A duplicated on the plus strand (T on the coding strand, the reverse complement: KCNH2 is on the minus strand). VCF-style (leftmost placement, unchanged base first): chr7-150952646-C-CA. GRCh37 (hg19) VCF-style: chr7-150649734-C-CA.
Other names: c.315dup, p.Gly106fs (NM_001204798.2, NM_172057.3); c.1047dup, p.Gly350Trpfs (NM_001406753.1, NM_001406756.1); c.1158dup, p.Gly387Trpfs (NM_001406755.1); c.1035dup, p.Gly346Trpfs (NM_001406757.1); c.1335dup, p.Gly446Trpfs (NM_172056.3); c.1335dupT (NM_000238.3); short protein forms G106fs, G446fs.
Identifiers: ClinVar variation 456886 (VCV000456886.10), dbSNP rs1554426219, ClinGen allele CA658656055.